The following is an entry in ClinVar:

NM_001171.6(ABCC6):c.3073del (p.Leu1025fs)

Gene: ABCC6 (ATP binding cassette subfamily C member 6; minus strand). Cytogenetic location: 16p13.11.
Variant type: Deletion.
Coding change: c.3073del on transcript NM_001171.6 (MANE Select); coding-DNA position 3073, one base deleted (C; older notation c.3073delC).
Protein change: p.Leu1025fs; shifts the reading frame from leucine 1025.
Molecular consequence: frameshift variant. On other transcripts: non-coding transcript variant (4).
Genome position (GRCh38, 1-based): chr16:16,165,856, G deleted on the plus strand (C on the coding strand, the reverse complement: ABCC6 is on the minus strand); the first of 2 consecutive G bases (chr16:16,165,856-16,165,857); deleting either gives the same sequence. VCF-style (leftmost placement, unchanged base first): chr16-16165855-AG-A. GRCh37 (hg19) VCF-style: chr16-16259712-AG-A.
Other names: c.2731del, p.Leu911fs (NM_001351800.1); c.3040del, p.Leu1014fs (NM_001440309.1); c.2905del, p.Leu969fs (NM_001440310.1); short protein forms L1025fs, L969fs, L1014fs, L911fs.
Identifiers: ClinVar variation 4723413 (VCV004723413.1).

ClinVar aggregate classification (germline): Pathogenic (1 of 4 stars; one submission).

Submission:

Labcorp Genetics (formerly Invitae), Labcorp
Classification: Pathogenic. Last evaluated: 2025-07-16. Review status: criteria provided, single submitter. Criteria: Invitae Variant Classification Sherloc (09022015). Collection method: clinical testing. Allele origin: germline.
Comment: This sequence change creates a premature translational stop signal (p.Leu1025Cysfs*21) in the ABCC6 gene. It is expected to result in an absent or disrupted protein product. Loss-of-function variants in ABCC6 are known to be pathogenic (PMID: 11536079, 17617515). This variant is not present in population databases (gnomAD no frequency). This variant has not been reported in the literature in individuals affected with ABCC6-related conditions. For these reasons, this variant has been classified as Pathogenic.

Literature cited by the submitters: PubMed 11536079; PubMed 17617515.